The following is an entry in ClinVar:

ClinVar aggregate classification (germline): Benign/Likely benign. Review status: criteria provided, multiple submitters, no conflicts (2 of 4 stars). 5 submissions from 5 submitters: Benign (1); Likely benign (4). Last evaluated 2025-12-29.

Allele frequency attached by ClinVar (database versions not stated): gnomAD exomes 0.00021; ExAC 0.00023; gnomAD 0.00026; TOPMed 0.00029; 1000 Genomes Project 30x 0.00031; 1000 Genomes Project 0.00040; ESP Exome Variant Server 0.00054.
gnomAD v4.1: 917 of 1,597,026 alleles (0.057%); highest among the groups gnomAD compares: Non-Finnish European, 0.075%; no homozygotes.

Submissions (5):

Labcorp Genetics (formerly Invitae), Labcorp
Classification: Likely benign. Last evaluated: 2025-12-29. Review status: criteria provided, single submitter. Criteria: Invitae Variant Classification Sherloc (09022015). Collection method: clinical testing. Allele origin: germline.

Blueprint Genetics
Classification: Likely benign. Last evaluated: 2024-03-25. Review status: criteria provided, single submitter. Criteria: ACMG Guidelines, 2015. Collection method: clinical testing. Allele origin: germline.

CeGaT Center for Human Genetics Tuebingen
Classification: Likely benign. Last evaluated: 2022-05-01. Review status: criteria provided, single submitter. Criteria: CeGaT Center For Human Genetics Tuebingen Variant Classification Criteria Version 2. Collection method: clinical testing. Allele origin: germline. Affected: yes. Observed: 1 variant allele.
Comment: RASA2: BP4, BP7

Ambry Genetics
Classification: Likely benign. Last evaluated: 2022-02-17. Review status: criteria provided, single submitter. Criteria: Ambry Variant Classification Scheme 2023. Collection method: clinical testing. Allele origin: germline.

Women's Health and Genetics/Laboratory Corporation of America, LabCorp
Classification: Benign. Last evaluated: 2021-02-08. Review status: criteria provided, single submitter. Criteria: LabCorp Variant Classification Summary - May 2015. Collection method: clinical testing. Allele origin: germline.
Comment: Variant summary: RASA2 c.2493A>G alters a conserved nucleotide resulting in a synonymous change. 4/4 computational tools predict no significant impact on normal splicing. However, these predictions have yet to be confirmed by functional studies. The variant allele was found at a frequency of 0.00021 in 236418 control chromosomes. The observed variant frequency is approximately 42 fold of the estimated maximal expected allele frequency for a pathogenic variant in RASA2 causing Noonan Syndrome phenotype (5e-06), strongly suggesting that the variant is benign. To our knowledge, no occurrence of c.2493A>G in individuals affected with Noonan Syndrome and no experimental evidence demonstrating its impact on protein function have been reported. No clinical diagnostic laboratories have submitted clinical-significance assessments for this variant to ClinVar after 2014. Based on the evidence outlined above, the variant was classified as benign.

NM_006506.5(RASA2):c.2493A>G (p.Arg831=)

Gene: RASA2 (RAS p21 protein activator 2; plus strand). Cytogenetic location: 3q23.
Variant type: single nucleotide variant.
Coding change: c.2493A>G on transcript NM_006506.5 (MANE Select); coding-DNA position 2493, A replaced by G.
Protein change: p.Arg831=; no amino-acid change (arginine 831 retained).
Molecular consequence: synonymous variant.
Genome position (GRCh38, 1-based): chr3:141,610,040, A>G. VCF-style: chr3-141610040-A-G. GRCh37 (hg19) VCF-style: chr3-141328882-A-G.
Other names: c.2496A>G, p.Arg832= (NM_001303245.3); c.2505A>G, p.Arg835= (NM_001303246.3).
Identifiers: ClinVar variation 997937 (VCV000997937.35), dbSNP rs142634033, ClinGen allele CA2645850.